The following is an entry in ClinVar:

NM_001267550.2(TTN):c.28321G>A (p.Gly9441Arg)

Gene: TTN (titin; minus strand). Cytogenetic location: 2q31.2.
Variant type: single nucleotide variant.
Coding change: c.28321G>A on transcript NM_001267550.2 (MANE Select); coding-DNA position 28321, G replaced by A.
Protein change: p.Gly9441Arg; replaces glycine 9441 with arginine.
Molecular consequence: missense variant. On other transcripts: intron variant (3).
Genome position (GRCh38, 1-based): chr2:178,710,776, C>T on the plus strand (G>A on the coding strand, the complement: TTN is on the minus strand). VCF-style: chr2-178710776-C-T. GRCh37 (hg19) VCF-style: chr2-179575503-C-T.
Other names: c.27370G>A, p.Gly9124Arg (NM_001256850.1); c.13282+27306G>A (NM_003319.4); c.13858+27306G>A (NM_133437.4); c.13657+27306G>A (NM_133432.3); c.28321G>A (NM_001267550.1); c.24589G>A, p.Gly8197Arg (NM_133378.4); short protein forms G9441R, G8197R, G9124R.
Identifiers: ClinVar variation 46809 (VCV000046809.7), dbSNP rs397517529, ClinGen allele CA139252.

ClinVar aggregate classification (germline): Uncertain significance. Review status: criteria provided, multiple submitters, no conflicts (2 of 4 stars). 3 submissions from 3 submitters: Uncertain significance (3). Last evaluated 2023-06-20.

Conditions:
Hypertrophic cardiomyopathy 9. Also called: Familial hypertrophic cardiomyopathy 9. Identifiers: MedGen C1861065, MONDO:0013412, OMIM 613765.
Tibial muscular dystrophy (TMD). Also called: Tibial muscular dystrophy, tardive; UDD MYOPATHY; Udd Distal Myopathy – Tibial Muscular Dystrophy. Identifiers: Orphanet 609, MedGen C1838244, MONDO:0010870, OMIM 600334.
Myopathy, myofibrillar, 9, with early respiratory failure (MFM9). Also called: MYOPATHY, PROXIMAL, WITH EARLY RESPIRATORY MUSCLE INVOLVEMENT; Myopathy, distal, with early respiratory failure, autosomal dominant; Hereditary myopathy with early respiratory failure; EDSTROM MYOPATHY. Identifiers: Orphanet 178464, Orphanet 34521, MedGen C1863599, MONDO:0011362, OMIM 603689.
Early-onset myopathy with fatal cardiomyopathy (CMYO5). Also called: CONGENITAL MYOPATHY 5 WITH CARDIOMYOPATHY; Salih Myopathy. Identifiers: Orphanet 289377, MedGen C2673677, MONDO:0012714, OMIM 611705. Disease mechanism: loss of function.
Dilated cardiomyopathy 1G (CMD1G). Identifiers: Orphanet 154, MedGen C1858763, MONDO:0011400, OMIM 604145.
Autosomal recessive limb-girdle muscular dystrophy type 2J (LGMDR10). Also called: Limb-girdle muscular dystrophy, type 2J; MUSCULAR DYSTROPHY, LIMB-GIRDLE, AUTOSOMAL RECESSIVE 10. Identifiers: Orphanet 140922, MedGen C1837342, MONDO:0012127, OMIM 608807.

Allele frequency attached by ClinVar (database versions not stated): gnomAD 0.00001; gnomAD exomes 0.00001 and 0.00002; TOPMed 0.00001; ExAC 0.00002.
gnomAD v4.1: 13 of 1,613,742 alleles (0.00081%); highest among the groups gnomAD compares: South Asian, 0.0033%; no homozygotes.

Submissions (3):

GeneDx
Classification: Uncertain significance. Last evaluated: 2023-06-20. Review status: criteria provided, single submitter. Criteria: GeneDx Variant Classification Process June 2021. Collection method: clinical testing. Allele origin: germline. Affected: yes.
Comment: Not observed at significant frequency in large population cohorts (gnomAD); Missense variant in a gene in which most reported pathogenic variants are truncating/loss of function; Has not been previously published as pathogenic or benign to our knowledge

Fulgent Genetics
Classification: Uncertain significance for Tibial muscular dystrophy; Myopathy, myofibrillar, 9, with early respiratory failure; Dilated cardiomyopathy 1G; Autosomal recessive limb-girdle muscular dystrophy type 2J; Early-onset myopathy with fatal cardiomyopathy; Hypertrophic cardiomyopathy 9. Last evaluated: 2021-10-14. Review status: criteria provided, single submitter. Criteria: ACMG Guidelines, 2015. Collection method: clinical testing. Allele origin: unknown.

Laboratory for Molecular Medicine, Mass General Brigham Personalized Medicine
Classification: Uncertain significance. Last evaluated: 2014-06-20. Review status: criteria provided, single submitter. Criteria: LMM Criteria. Collection method: clinical testing. Allele origin: germline. Observed: 1 variant allele.
Comment: Variant classified as Uncertain Significance - Favor Benign. The Gly8197Arg vari ant in TTN has not been previously reported any other families with cardiomypath y or in large population studies. It has been reported in dbSNP (rs397517529) wi thout frequency information. Glycine (Gly) at position 8197 is not conserved in evolution and multiple birds and reptiles carry an arginine (Arg) at this positi on, supporting that this change may be tolerated. Additional computational predi ction tools do not provide strong support for or against an impact to the protei n. In summary, while the clinical significance of the Gly8197Arg variant is unce rtain, the presence of the variant amino acid in other species suggests that it is more likely to be benign.